The following is an entry in ClinVar:

NM_001429.4(EP300):c.3143-4T>A

Gene: EP300 (E1A binding protein p300; plus strand). Cytogenetic location: 22q13.2.
Variant type: single nucleotide variant.
Coding change: c.3143-4T>A on transcript NM_001429.4 (MANE Select); 4 bases into the intron before coding-DNA position 3143, T replaced by A.
Molecular consequence: intron variant.
Genome position (GRCh38, 1-based): chr22:41,154,991, T>A. VCF-style: chr22-41154991-T-A. GRCh37 (hg19) VCF-style: chr22-41550995-T-A.
Other names: c.3065-4T>A (NM_001362843.2).
Identifiers: ClinVar variation 3356340 (VCV003356340.1).
Genomic context (GRCh38, chr22:41,154,991, plus strand): 5'-ATGATTTTTTAAAGTTCTTCTGCTTAATTGGTAACTAATTTCAAATGCACTTTTTTTTTT[T>A]AAGTTTTCAAACCAGAAGAACTACGACAGGCACTGATGCCAACTTTGGAGGCACTTTACC-3'

ClinVar aggregate classification (germline): Likely benign (0 of 4 stars; one submission).

Conditions:
EP300-related disorder. Also called: EP300-related disorders; EP300-related condition.

gnomAD v4.1: 3 of 1,597,704 alleles (0.00019%); highest among the groups gnomAD compares: South Asian, 0.0011%; no homozygotes.

Submission:

PreventionGenetics, part of Exact Sciences
Classification: Likely benign for EP300-related condition. Last evaluated: 2023-04-12. Review status: no assertion criteria provided. Collection method: clinical testing. Allele origin: germline.
Comment: This variant is classified as likely benign based on ACMG/AMP sequence variant interpretation guidelines (Richards et al. 2015 PMID: 25741868, with internal and published modifications).